The following is an entry in ClinVar:

NM_017654.4(SAMD9):c.4358T>G (p.Met1453Arg)

Gene: SAMD9 (sterile alpha motif domain containing 9; minus strand). Cytogenetic location: 7q21.2.
Variant type: single nucleotide variant.
Coding change: c.4358T>G on transcript NM_017654.4 (MANE Select); coding-DNA position 4358, T replaced by G.
Protein change: p.Met1453Arg; replaces methionine 1453 with arginine.
Molecular consequence: missense variant.
Genome position (GRCh38, 1-based): chr7:93,101,740, A>C on the plus strand (T>G on the coding strand, the complement: SAMD9 is on the minus strand). VCF-style: chr7-93101740-A-C. GRCh37 (hg19) VCF-style: chr7-92731053-A-C.
Other names: c.4358T>G, p.Met1453Arg (NM_001193307.2); short protein forms M1453R.
Identifiers: ClinVar variation 5028804 (VCV005028804.1).
Genomic context (GRCh38, chr7:93,101,740, plus strand): 5'-CGATGCATATGTTTATATTGCCCCTTGAAAGAATTTTTTAGTGCTTGAGCATACTCTTTC[A>C]TTTGTTCAGAATGTTGATCTAGTTGTTGATTTTCTGGCCAGAATAAGAGGGAAGCTAGAA-3'
Protein context (NP_060124.2, residues 1443-1463): NQQLDQHSEQ[Met1453Arg]KEYAQALKNS

ClinVar aggregate classification (germline): Uncertain significance (1 of 4 stars; one submission).

Conditions:
Inborn genetic diseases. Identifiers: MedGen C0950123, MeSH D030342.

Submission:

Ambry Genetics
Classification: Uncertain significance for Inborn genetic diseases. Last evaluated: 2026-08-23. Review status: criteria provided, single submitter. Criteria: Ambry Variant Classification Scheme 2023. Collection method: clinical testing. Allele origin: germline.
Comment: The p.M1453R variant (also known as c.4358T>G), located in coding exon 1 of the SAMD9 gene, results from a T to G substitution at nucleotide position 4358. The methionine at codon 1453 is replaced by arginine, an amino acid with similar properties. This amino acid position is conserved. In addition, this alteration is predicted to be tolerated by in silico analysis. Based on the available evidence, the clinical significance of this variant remains unclear.